The following is an entry in ClinVar:

ClinVar aggregate classification (germline): Uncertain significance (1 of 4 stars; one submission).

gnomAD v4.1: 1 of 1,203,076 alleles (0.000083%); highest among the groups gnomAD compares: Non-Finnish European, 0.00011%; no homozygotes.

Submission:

Women's Health and Genetics/Laboratory Corporation of America, LabCorp
Classification: Uncertain significance. Last evaluated: 2024-04-12. Review status: criteria provided, single submitter. Criteria: LabCorp Variant Classification Summary - May 2015. Collection method: clinical testing. Allele origin: germline.
Comment: Variant summary: HCFC1 c.4335C>T (p.Asp1445Asp) alters a conserved nucleotide located close to a canonical splice site and therefore could affect mRNA splicing, leading to a significantly altered protein sequence. Consensus agreement among computation tools predict no significant impact on normal splicing. However, these predictions have yet to be confirmed by functional studies. The variant allele was found at a frequency of 6.2e-06 in 161314 control chromosomes. The available data on variant occurrences in the general population are insufficient to allow any conclusion about variant significance. To our knowledge, no occurrence of c.4335C>T in individuals affected with Methylmalonic Acidemia With Homocystinuria and no experimental evidence demonstrating its impact on protein function have been reported. No submitters have cited clinical-significance assessments for this variant to ClinVar. Based on the evidence outlined above, the variant was classified as uncertain significance.

NM_005334.3(HCFC1):c.4335C>T (p.Asp1445=)

Gene: HCFC1 (host cell factor C1; minus strand). Cytogenetic location: Xq28.
Variant type: single nucleotide variant.
Coding change: c.4335C>T on transcript NM_005334.3 (MANE Select); coding-DNA position 4335, C replaced by T.
Protein change: p.Asp1445=; no amino-acid change (aspartic acid 1445 retained).
Molecular consequence: synonymous variant.
Genome position (GRCh38, 1-based): chrX:153,953,769, G>A on the plus strand (C>T on the coding strand, the complement: HCFC1 is on the minus strand). VCF-style: chrX-153953769-G-A. GRCh37 (hg19) VCF-style: chrX-153219220-G-A.
Other names: c.4335C>T, p.Asp1445= (NM_001410705.1).
Identifiers: ClinVar variation 3251313 (VCV003251313.1), dbSNP rs1557113397.